The following is an entry in ClinVar:

ClinVar aggregate classification (germline): Conflicting classifications of pathogenicity. Review status: criteria provided, conflicting classifications (1 of 4 stars). 5 submissions from 5 submitters: Uncertain significance (1); Benign (1); Likely benign (3). Last evaluated 2026-01-17.

Conditions:
Inborn genetic diseases. Identifiers: MedGen C0950123, MeSH D030342.

Allele frequency attached by ClinVar (database versions not stated): TOPMed 0.00003; gnomAD 0.00004; gnomAD exomes 0.00006; ExAC 0.00007.
gnomAD v4.1: 91 of 1,604,722 alleles (0.0057%); highest among the groups gnomAD compares: Middle Eastern, 0.28%; no homozygotes.

Submissions (5):

Labcorp Genetics (formerly Invitae), Labcorp
Classification: Benign. Last evaluated: 2026-01-17. Review status: criteria provided, single submitter. Criteria: Invitae Variant Classification Sherloc (09022015). Collection method: clinical testing. Allele origin: germline.

Ambry Genetics
Classification: Likely benign for Inborn genetic diseases. Last evaluated: 2025-03-22. Review status: criteria provided, single submitter. Criteria: Ambry Variant Classification Scheme 2023. Collection method: clinical testing. Allele origin: germline.

Blueprint Genetics
Classification: Likely benign. Last evaluated: 2024-11-06. Review status: criteria provided, single submitter. Criteria: ACMG Guidelines, 2015. Collection method: clinical testing. Allele origin: germline.

CeGaT Center for Human Genetics Tuebingen
Classification: Likely benign. Last evaluated: 2023-05-01. Review status: criteria provided, single submitter. Criteria: CeGaT Center For Human Genetics Tuebingen Variant Classification Criteria Version 2. Collection method: clinical testing. Allele origin: germline. Affected: yes. Observed: 1 variant allele.
Comment: TRRAP: BS1

Revvity Omics, Revvity
Classification: Uncertain significance. Last evaluated: 2023-03-01. Review status: criteria provided, single submitter. Criteria: ACMG Guidelines, 2015. Collection method: clinical testing. Allele origin: germline.

NM_001375524.1(TRRAP):c.4900G>A (p.Gly1634Ser)

Gene: TRRAP (transformation/transcription domain associated protein; plus strand). Cytogenetic location: 7q22.1.
Variant type: single nucleotide variant.
Coding change: c.4900G>A on transcript NM_001375524.1 (MANE Select); coding-DNA position 4900, G replaced by A.
Protein change: p.Gly1634Ser; replaces glycine 1634 with serine.
Molecular consequence: missense variant.
Genome position (GRCh38, 1-based): chr7:98,949,528, G>A. VCF-style: chr7-98949528-G-A. GRCh37 (hg19) VCF-style: chr7-98547151-G-A.
Other names: c.4879G>A, p.Gly1627Ser (NM_001244580.2); c.4825G>A, p.Gly1609Ser (NM_003496.4); c.4825G>A (NM_003496.3); c.4879G>A (NM_001244580.1); short protein forms G1627S, G1609S, G1634S.
Identifiers: ClinVar variation 2039112 (VCV002039112.35), dbSNP rs782510081, ClinGen allele CA4360413.
Genomic context (GRCh38, chr7:98,949,528, plus strand): 5'-AACCCCAACAGGTTCATCACCCTGCTGCTGCCGGGGGGTGCCCAGACGGCTGTGCGCCCC[G>A]GTTCGCCCAGCACCAGCACCATGCGCCTGGACCTCCAGTTCCAGGCCATCAAGGTAGCGC-3'
Protein context (NP_001362453.1, residues 1624-1644): PGGAQTAVRP[Gly1634Ser]SPSTSTMRLD